The following is an entry in ClinVar:

ClinVar aggregate classification (germline): Uncertain significance (1 of 4 stars; one submission).

Allele frequency attached by ClinVar (database versions not stated): gnomAD exomes below 0.00001; ExAC 0.00001.

Submission:

Ambry Genetics
Classification: Uncertain significance. Last evaluated: 2025-08-19. Review status: criteria provided, single submitter. Criteria: Ambry Variant Classification Scheme 2023. Collection method: clinical testing. Allele origin: germline.
Comment: The p.D72N variant (also known as c.214G>A), located in coding exon 2 of the RECQL gene, results from a G to A substitution at nucleotide position 214. The amino acid change results in aspartic acid to asparagine at codon 72, an amino acid with highly similar properties. However, this change occurs in the last base pair of coding exon 2, which makes it likely to have some effect on normal mRNA splicing. This nucleotide position and amino acid position are highly conserved in available vertebrate species. In silico splice site analysis predicts that this alteration will weaken the native splice donor site. In addition, this alteration is predicted to be tolerated by in silico protein analysis. The evidence for this gene-disease relationship is limited; therefore, the clinical significance of this alteration is unclear.

NM_002907.4(RECQL):c.214G>A (p.Asp72Asn)

Gene: RECQL (RecQ like helicase; minus strand). Cytogenetic location: 12p12.1.
Variant type: single nucleotide variant.
Coding change: c.214G>A on transcript NM_002907.4 (MANE Select); coding-DNA position 214, G replaced by A.
Protein change: p.Asp72Asn; replaces aspartic acid 72 with asparagine.
Molecular consequence: missense variant.
Genome position (GRCh38, 1-based): chr12:21,491,519, C>T on the plus strand (G>A on the coding strand, the complement: RECQL is on the minus strand). VCF-style: chr12-21491519-C-T. GRCh37 (hg19) VCF-style: chr12-21644453-C-T.
Other names: c.214G>A, p.Asp72Asn (NM_032941.3); short protein forms D72N.
Identifiers: ClinVar variation 1786722 (VCV001786722.3), dbSNP rs767370236, ClinGen allele CA6479176.
Genomic context (GRCh38, chr12:21,491,519, plus strand): 5'-CTAGTTTTTTAAAATATGAGAAGAAATAAAACTAGCAAAAAAAAAAAAAAAAAAGTTAAC[C>T]TTCTTTATTCCAAGCGGCAGGTGAAGAATCATATTCATTGCTTGCCCCGGCATCAGAATC-3'
Protein context (NP_002898.2, residues 62-82): DSSPAAWNKE[Asp72Asn]FPWSGKVKDI